The following is an entry in ClinVar:

ClinVar aggregate classification (germline): Conflicting classifications of pathogenicity. Review status: criteria provided, conflicting classifications (1 of 4 stars). 4 submissions from 4 submitters: Uncertain significance (3); Likely benign (1). Last evaluated 2026-06-24.

Conditions:
Inborn genetic diseases. Identifiers: MedGen C0950123, MeSH D030342.

Allele frequency attached by ClinVar (database versions not stated): gnomAD exomes below 0.00001 and 0.00001; TOPMed 0.00001.
gnomAD v4.1: 19 of 1,614,210 alleles (0.0012%); highest among the groups gnomAD compares: Middle Eastern, 0.25%; no homozygotes.

Submissions (4):

Ambry Genetics
Classification: Uncertain significance for Inborn genetic diseases. Last evaluated: 2026-06-24. Review status: criteria provided, single submitter. Criteria: Ambry Variant Classification Scheme 2023. Collection method: clinical testing. Allele origin: germline.

Labcorp Genetics (formerly Invitae), Labcorp
Classification: Uncertain significance. Last evaluated: 2026-01-06. Review status: criteria provided, single submitter. Criteria: Invitae Variant Classification Sherloc (09022015). Collection method: clinical testing. Allele origin: germline.
Comment: This sequence change replaces leucine, which is neutral and non-polar, with serine, which is neutral and polar, at codon 943 of the DSG1 protein (p.Leu943Ser). This variant is present in population databases (no rsID available, gnomAD 0.003%). This variant has not been reported in the literature in individuals affected with DSG1-related conditions. ClinVar contains an entry for this variant (Variation ID: 380121). An algorithm developed to predict the effect of missense changes on protein structure and function (PolyPhen-2) suggests that this variant is likely to be disruptive. In summary, the available evidence is currently insufficient to determine the role of this variant in disease. Therefore, it has been classified as a Variant of Uncertain Significance.

Blueprint Genetics
Classification: Uncertain significance. Last evaluated: 2023-11-22. Review status: criteria provided, single submitter. Criteria: ACMG Guidelines, 2015. Collection method: clinical testing. Allele origin: germline.

GeneDx
Classification: Likely benign. Last evaluated: 2015-07-23. Review status: criteria provided, single submitter. Criteria: GeneDx Variant Classification (06012015). Collection method: clinical testing. Allele origin: germline. Affected: yes.
Comment: This variant is considered likely benign or benign based on one or more of the following criteria: it is a conservative change, it occurs at a poorly conserved position in the protein, it is predicted to be benign by multiple in silico algorithms, and/or has population frequency not consistent with disease.

NM_001942.4(DSG1):c.2828T>C (p.Leu943Ser)

Genes: DSG1 (desmoglein 1; plus strand), DSG1-AS1 (DSG1 antisense RNA 1; minus strand). Cytogenetic location: 18q12.1.
Variant type: single nucleotide variant.
Coding change: c.2828T>C on transcript NM_001942.4 (MANE Select); coding-DNA position 2828, T replaced by C.
Protein change: p.Leu943Ser; replaces leucine 943 with serine.
Molecular consequence: missense variant.
Genome position (GRCh38, 1-based): chr18:31,355,024, T>C. VCF-style: chr18-31355024-T-C. GRCh37 (hg19) VCF-style: chr18-28934987-T-C.
Other names: short protein forms L943S.
Identifiers: ClinVar variation 380121 (VCV000380121.10), dbSNP rs946952164, ClinGen allele CA16607922.